The following is an entry in ClinVar:

NM_003937.3(KYNU):c.676T>C (p.Tyr226His)

Gene: KYNU (kynureninase; plus strand). Cytogenetic location: 2q22.2.
Variant type: single nucleotide variant.
Coding change: c.676T>C on transcript NM_003937.3 (MANE Select); coding-DNA position 676, T replaced by C.
Protein change: p.Tyr226His; replaces tyrosine 226 with histidine.
Molecular consequence: missense variant.
Genome position (GRCh38, 1-based): chr2:142,960,717, T>C. VCF-style: chr2-142960717-T-C. GRCh37 (hg19) VCF-style: chr2-143718286-T-C.
Other names: c.676T>C, p.Tyr226His (NM_001032998.2, NM_001199241.2); short protein forms Y226H.
Identifiers: ClinVar variation 5019421 (VCV005019421.2).

ClinVar aggregate classification (germline): Uncertain significance (1 of 4 stars; one submission).

Conditions:
Hydroxykynureninuria. Also called: Kynureninase deficiency; Encephalopathy due to hydroxykynureninuria; Xanthurenic aciduria. Identifiers: Orphanet 79155, MedGen C0268474, MONDO:0009372, OMIM 236800.
Vertebral, cardiac, renal, and limb defects syndrome 2. Also called: KYNURENINASE DEFICIENCY, COMPLETE; CONGENITAL NAD DEFICIENCY DISORDER 2. Identifiers: MedGen C4540014, MONDO:0060555, OMIM 617661.

gnomAD v4.1: 1 of 1,613,994 alleles (0.000062%); highest among the groups gnomAD compares: Non-Finnish European, 0.000085%; no homozygotes.

Submission:

Juno Genomics, Hangzhou Juno Genomics, Inc
Classification: Uncertain significance for Vertebral, cardiac, renal, and limb defects syndrome 2; Hydroxykynureninuria. Review status: criteria provided, single submitter. Criteria: ACMG Guidelines, 2015. Collection method: clinical testing. Allele origin: germline.
Comment: Absent from controls (or at extremely low frequency if recessive) in Genome Aggregation Database.;Multiple lines of computational evidence support a deleterious effect on the gene or gene product.